The following is an entry in ClinVar:

ClinVar aggregate classification (germline): Likely pathogenic (1 of 4 stars; one submission).

Submission:

Labcorp Genetics (formerly Invitae), Labcorp
Classification: Likely pathogenic. Last evaluated: 2024-06-12. Review status: criteria provided, single submitter. Criteria: Invitae Variant Classification Sherloc (09022015). Collection method: clinical testing. Allele origin: germline.
Comment: This sequence change replaces tryptophan, which is neutral and slightly polar, with arginine, which is basic and polar, at codon 2744 of the USH2A protein (p.Trp2744Arg). This variant is not present in population databases (gnomAD no frequency). This variant has not been reported in the literature in individuals affected with USH2A-related conditions. Advanced modeling of protein sequence and biophysical properties (such as structural, functional, and spatial information, amino acid conservation, physicochemical variation, residue mobility, and thermodynamic stability) performed at Invitae indicates that this missense variant is expected to disrupt USH2A protein function with a positive predictive value of 95%. This variant disrupts the p.Trp2744 amino acid residue in USH2A. Other variant(s) that disrupt this residue have been determined to be pathogenic (PMID: 21686329, 26338283, 29625443, 29641573). This suggests that this residue is clinically significant, and that variants that disrupt this residue are likely to be disease-causing. In summary, the currently available evidence indicates that the variant is pathogenic, but additional data are needed to prove that conclusively. Therefore, this variant has been classified as Likely Pathogenic.

Literature cited by the submitters: PubMed 21686329; PubMed 26338283; PubMed 29625443; PubMed 29641573.

NM_206933.4(USH2A):c.8230T>A (p.Trp2744Arg)

Gene: USH2A (usherin; minus strand). Cytogenetic location: 1q41.
Variant type: single nucleotide variant.
Coding change: c.8230T>A on transcript NM_206933.4 (MANE Select); coding-DNA position 8230, T replaced by A.
Protein change: p.Trp2744Arg; replaces tryptophan 2744 with arginine.
Molecular consequence: missense variant.
Genome position (GRCh38, 1-based): chr1:215,879,092, A>T on the plus strand (T>A on the coding strand, the complement: USH2A is on the minus strand). VCF-style: chr1-215879092-A-T. GRCh37 (hg19) VCF-style: chr1-216052434-A-T.
Other names: short protein forms W2744R.
Identifiers: ClinVar variation 3633753 (VCV003633753.2).